The following is an entry in ClinVar:

NM_145698.5(ACBD5):c.1271A>C (p.Glu424Ala)

Gene: ACBD5 (acyl-CoA binding domain containing 5; minus strand). Cytogenetic location: 10p12.1.
Variant type: single nucleotide variant.
Coding change: c.1271A>C on transcript NM_145698.5 (MANE Select); coding-DNA position 1271, A replaced by C.
Protein change: p.Glu424Ala; replaces glutamic acid 424 with alanine.
Molecular consequence: missense variant.
Genome position (GRCh38, 1-based): chr10:27,208,379, T>G on the plus strand (A>C on the coding strand, the complement: ACBD5 is on the minus strand). VCF-style: chr10-27208379-T-G. GRCh37 (hg19) VCF-style: chr10-27497308-T-G.
Other names: c.1166A>C, p.Glu389Ala (NM_001042473.4, NM_001352577.2, NM_001352578.2 and 1 more transcripts); c.1265A>C, p.Glu422Ala (NM_001271512.3); c.944A>C, p.Glu315Ala (NM_001301251.2, NM_001301252.2, NM_001301253.2 and 2 more transcripts); c.740A>C, p.Glu247Ala (NM_001301254.2); c.1325A>C, p.Glu442Ala (NM_001352568.1); c.1304A>C, p.Glu435Ala (NM_001352569.1); c.1271A>C, p.Glu424Ala (NM_001352570.1); c.1100A>C, p.Glu367Ala (NM_001352581.1); and 10 more; short protein forms E326A, E367A, E389A, E315A, E356A, E371A, E424A, E442A.
Identifiers: ClinVar variation 1494306 (VCV001494306.6), dbSNP rs148555426, ClinGen allele CA376373444.

ClinVar aggregate classification (germline): Uncertain significance (1 of 4 stars; one submission).

Submission:

Labcorp Genetics (formerly Invitae), Labcorp
Classification: Uncertain significance. Last evaluated: 2022-09-13. Review status: criteria provided, single submitter. Criteria: Invitae Variant Classification Sherloc (09022015). Collection method: clinical testing. Allele origin: germline.
Comment: This variant has not been reported in the literature in individuals affected with ACBD5-related conditions. In summary, the available evidence is currently insufficient to determine the role of this variant in disease. Therefore, it has been classified as a Variant of Uncertain Significance. Advanced modeling of protein sequence and biophysical properties (such as structural, functional, and spatial information, amino acid conservation, physicochemical variation, residue mobility, and thermodynamic stability) performed at Invitae indicates that this missense variant is not expected to disrupt ACBD5 protein function. ClinVar contains an entry for this variant (Variation ID: 1494306). This variant is not present in population databases (gnomAD no frequency). This sequence change replaces glutamic acid, which is acidic and polar, with alanine, which is neutral and non-polar, at codon 424 of the ACBD5 protein (p.Glu424Ala).